The following is an entry in ClinVar:

ClinVar aggregate classification (germline): Uncertain significance. Review status: criteria provided, multiple submitters, no conflicts (2 of 4 stars). 2 submissions from 2 submitters: Uncertain significance (2). Last evaluated 2025-11-24.

Conditions:
Muscular dystrophy-dystroglycanopathy (congenital with brain and eye anomalies), type a, 8 (MDDGA8). Also called: WALKER-WARBURG SYNDROME OR MUSCLE-EYE-BRAIN DISEASE, GTDC2-RELATED. Identifiers: Orphanet 899, MedGen C3553813, MONDO:0013904, OMIM 614830.
Inborn genetic diseases. Identifiers: MedGen C0950123, MeSH D030342.

Allele frequency attached by ClinVar (database versions not stated): gnomAD exomes below 0.00001 and 0.00001; TOPMed 0.00001; gnomAD 0.00001.
gnomAD v4.1: 9 of 1,614,028 alleles (0.00056%); highest among the groups gnomAD compares: Non-Finnish European, 0.00076%; no homozygotes.

Submissions (2):

Ambry Genetics
Classification: Uncertain significance for Inborn genetic diseases. Last evaluated: 2025-11-24. Review status: criteria provided, single submitter. Criteria: Ambry Variant Classification Scheme 2023. Collection method: clinical testing. Allele origin: germline.

Labcorp Genetics (formerly Invitae), Labcorp
Classification: Uncertain significance for Muscular dystrophy-dystroglycanopathy (congenital with brain and eye anomalies), type a, 8. Last evaluated: 2018-10-22. Review status: criteria provided, single submitter. Criteria: Invitae Variant Classification Sherloc (09022015). Collection method: clinical testing. Allele origin: germline.
Comment: This sequence change replaces threonine with proline at codon 327 of the POMGNT2 protein (p.Thr327Pro). The threonine residue is weakly conserved and there is a small physicochemical difference between threonine and proline. This variant is not present in population databases (ExAC no frequency). This variant has not been reported in the literature in individuals with POMGNT2-related disease. Algorithms developed to predict the effect of missense changes on protein structure and function output the following: SIFT: "Deleterious"; PolyPhen-2: "Benign"; Align-GVGD: "Class C0". The proline amino acid residue is found in multiple mammalian species, suggesting that this missense change does not adversely affect protein function. These predictions have not been confirmed by published functional studies and their clinical significance is uncertain. In summary, the available evidence is currently insufficient to determine the role of this variant in disease. Therefore, it has been classified as a Variant of Uncertain Significance.

NM_032806.6(POMGNT2):c.979A>C (p.Thr327Pro)

Gene: POMGNT2 (protein O-linked mannose N-acetylglucosaminyltransferase 2 (beta 1,4-); minus strand). Cytogenetic location: 3p22.1.
Variant type: single nucleotide variant.
Coding change: c.979A>C on transcript NM_032806.6 (MANE Select); coding-DNA position 979, A replaced by C.
Protein change: p.Thr327Pro; replaces threonine 327 with proline.
Molecular consequence: missense variant.
Genome position (GRCh38, 1-based): chr3:43,080,453, T>G on the plus strand (A>C on the coding strand, the complement: POMGNT2 is on the minus strand). VCF-style: chr3-43080453-T-G. GRCh37 (hg19) VCF-style: chr3-43121945-T-G.
Other names: c.979A>C (NM_032806.4); short protein forms T327P.
Identifiers: ClinVar variation 639579 (VCV000639579.2), dbSNP rs1343154694, ClinGen allele CA352302099.